The following is an entry in ClinVar:

NM_001135022.2(ELMOD3):c.168G>C (p.Leu56=)

Gene: ELMOD3 (ELMO domain containing 3; plus strand). Cytogenetic location: 2p11.2.
Variant type: single nucleotide variant.
Coding change: c.168G>C on transcript NM_001135022.2 (MANE Select); coding-DNA position 168, G replaced by C.
Protein change: p.Leu56=; no amino-acid change (leucine 56 retained).
Molecular consequence: synonymous variant. On other transcripts: non-coding transcript variant (3).
Genome position (GRCh38, 1-based): chr2:85,363,135, G>C. VCF-style: chr2-85363135-G-C. GRCh37 (hg19) VCF-style: chr2-85590258-G-C.
Other names: c.168G>C, p.Leu56= (NM_001135021.2, NM_001135023.2, NM_001329791.2 and 3 more transcripts).
Identifiers: ClinVar variation 3346322 (VCV003346322.1).

ClinVar aggregate classification (germline): Likely benign (0 of 4 stars; one submission).

Conditions:
ELMOD3-related disorder. Also called: ELMOD3-related condition.

Submission:

PreventionGenetics, part of Exact Sciences
Classification: Likely benign for ELMOD3-related condition. Last evaluated: 2024-09-04. Review status: no assertion criteria provided. Collection method: clinical testing. Allele origin: germline.
Comment: This variant is classified as likely benign based on ACMG/AMP sequence variant interpretation guidelines (Richards et al. 2015 PMID: 25741868, with internal and published modifications).